The following is an entry in ClinVar:

NM_016247.4(IMPG2):c.2177C>G (p.Ser726Cys)

Gene: IMPG2 (interphotoreceptor matrix proteoglycan 2; minus strand). Cytogenetic location: 3q12.3.
Variant type: single nucleotide variant.
Coding change: c.2177C>G on transcript NM_016247.4 (MANE Select); coding-DNA position 2177, C replaced by G.
Protein change: p.Ser726Cys; replaces serine 726 with cysteine.
Molecular consequence: missense variant.
Genome position (GRCh38, 1-based): chr3:101,244,154, G>C on the plus strand (C>G on the coding strand, the complement: IMPG2 is on the minus strand). VCF-style: chr3-101244154-G-C. GRCh37 (hg19) VCF-style: chr3-100962998-G-C.
Other names: c.2177C>G (NM_016247.3); short protein forms S726C.
Identifiers: ClinVar variation 1036720 (VCV001036720.11), dbSNP rs1706444766, ClinGen allele CA353858484.

ClinVar aggregate classification (germline): Uncertain significance. Review status: criteria provided, multiple submitters, no conflicts (2 of 4 stars). 3 submissions from 3 submitters: Uncertain significance (3). Last evaluated 2025-04-25.

Conditions:
IMPG2-related disorder. Also called: IMPG2-related condition.

Submissions (3):

PreventionGenetics, part of Exact Sciences
Classification: Uncertain significance for IMPG2-related condition. Last evaluated: 2025-04-25. Review status: criteria provided, single submitter. Criteria: ACMG Guidelines, 2015. Collection method: clinical testing. Allele origin: germline.
Comment: The IMPG2 c.2177C>G variant is predicted to result in the amino acid substitution p.Ser726Cys. To our knowledge, this variant has not been reported in the literature. This variant is absent in a large population database (gnomAD), indicating this variant is rare. At this time, the clinical significance of this variant is uncertain due to the absence of conclusive functional and genetic evidence.

Blueprint Genetics
Classification: Uncertain significance. Last evaluated: 2022-04-21. Review status: criteria provided, single submitter. Criteria: ACMG Guidelines, 2015. Collection method: clinical testing. Allele origin: germline.

Labcorp Genetics (formerly Invitae), Labcorp
Classification: Uncertain significance. Last evaluated: 2021-05-07. Review status: criteria provided, single submitter. Criteria: Invitae Variant Classification Sherloc (09022015). Collection method: clinical testing. Allele origin: germline.
Comment: This sequence change replaces serine with cysteine at codon 726 of the IMPG2 protein (p.Ser726Cys). The serine residue is moderately conserved and there is a moderate physicochemical difference between serine and cysteine. This variant is not present in population databases (ExAC no frequency). This variant has not been reported in the literature in individuals with IMPG2-related conditions. Algorithms developed to predict the effect of missense changes on protein structure and function (SIFT, PolyPhen-2, Align-GVGD) all suggest that this variant is likely to be tolerated, but these predictions have not been confirmed by published functional studies and their clinical significance is uncertain. In summary, the available evidence is currently insufficient to determine the role of this variant in disease. Therefore, it has been classified as a Variant of Uncertain Significance.